The following is an entry in ClinVar:

ClinVar aggregate classification (germline): Conflicting classifications of pathogenicity. Review status: criteria provided, conflicting classifications (1 of 4 stars). 4 submissions from 4 submitters: Uncertain significance (1); Benign (3). Last evaluated 2026-02-04.

Conditions:
Leber congenital amaurosis 12 (LCA12). Identifiers: Orphanet 65, MedGen C1857743, MONDO:0012525, OMIM 610612.

Allele frequency attached by ClinVar (database versions not stated): 1000 Genomes Project 30x 0.00422; ExAC 0.00961; 1000 Genomes Project 0.00419; gnomAD 0.00846 and 0.00854; TOPMed 0.00847; gnomAD exomes 0.00988; ESP Exome Variant Server 0.01007.

Submissions (4):

Labcorp Genetics (formerly Invitae), Labcorp
Classification: Benign for Leber congenital amaurosis 12. Last evaluated: 2026-02-04. Review status: criteria provided, single submitter. Criteria: Invitae Variant Classification Sherloc (09022015). Collection method: clinical testing. Allele origin: germline.

CeGaT Center for Human Genetics Tuebingen
Classification: Benign. Last evaluated: 2025-07-01. Review status: criteria provided, single submitter. Criteria: CeGaT Center For Human Genetics Tuebingen Variant Classification Criteria Version 2. Collection method: clinical testing. Allele origin: germline. Affected: yes. Observed: 2 variant alleles.
Comment: RD3: BS1, BS2

Illumina Laboratory Services, Illumina
Classification: Uncertain significance for Leber congenital amaurosis 12. Last evaluated: 2017-04-27. Review status: criteria provided, single submitter. Criteria: ICSL Variant Classification Criteria 13 December 2019. Collection method: clinical testing. Allele origin: germline.
Comment: This variant was observed as part of a predisposition screen in an ostensibly healthy population. A literature search was performed for the gene, cDNA change, and amino acid change (where applicable). Publications were found based on this search. However, the evidence from the literature, in combination with allele frequency data from public databases where available, was not sufficient to rule this variant in or out of causing disease. Therefore, this variant is classified as a variant of unknown significance.

Eurofins Ntd Llc (ga)
Classification: Benign. Last evaluated: 2014-02-21. Review status: criteria provided, single submitter. Criteria: EGL Classification Definitions 2015. Collection method: clinical testing. Allele origin: germline. Observed: 1 variant allele, 1 heterozygote.

Literature cited by the submitters: PubMed 22531706 (cited by Illumina Laboratory Services, Illumina); PubMed 23308101 (cited by Illumina Laboratory Services, Illumina); PubMed 17186464 (cited by Illumina Laboratory Services, Illumina).

NM_001164688.2(RD3):c.139C>T (p.Arg47Cys)

Gene: RD3 (RD3 regulator of GUCY2D; minus strand). Cytogenetic location: 1q32.3.
Variant type: single nucleotide variant.
Coding change: c.139C>T on transcript NM_001164688.2 (MANE Select); coding-DNA position 139, C replaced by T.
Protein change: p.Arg47Cys; replaces arginine 47 with cysteine.
Molecular consequence: missense variant.
Genome position (GRCh38, 1-based): chr1:211,481,277, G>A on the plus strand (C>T on the coding strand, the complement: RD3 is on the minus strand). VCF-style: chr1-211481277-G-A. GRCh37 (hg19) VCF-style: chr1-211654619-G-A.
Other names: c.139C>T, p.Arg47Cys (NM_183059.3); short protein forms R47C.
Identifiers: ClinVar variation 167572 (VCV000167572.42), dbSNP rs34049451, ClinGen allele CA180366.